The following is an entry in ClinVar:

ClinVar aggregate classification (germline): Pathogenic (0 of 4 stars; one submission).

Conditions:
Childhood apraxia of speech (SPCH1). Also called: Speech language disorder; DEVELOPMENTAL VERBAL DYSPRAXIA; SPEECH AND LANGUAGE DISORDER WITH OROFACIAL DYSPRAXIA; FOXP2-Related Speech and Language Disorder. Identifiers: Orphanet 209908, MedGen C0750927, MONDO:0011184, OMIM 602081.

Submission:

GeneReviews
Classification: Pathogenic for Childhood apraxia of speech. Last evaluated: 2016-03-02. Review status: no assertion criteria provided. Collection method: literature only. Allele origin: germline. Affected: yes. Observed: 1 variant allele.
Comment: Speech: CAS Oromotor: Oromotor difficulties Language: Impaired expressive & receptive Cognition: Cognitive impairment

Literature cited by the submitters: PubMed 17033973.

t(3;7)(q23;q31.2)

Gene: FOXP2 (forkhead box P2; plus strand). Cytogenetic location: 7q31.1.
Variant type: Translocation.
Identifiers: ClinVar variation 242953 (VCV000242953.1).